The following is an entry in ClinVar:

NM_001365951.3(KIF1B):c.2560G>C (p.Glu854Gln)

Gene: KIF1B (kinesin family member 1B; plus strand). Cytogenetic location: 1p36.22.
Variant type: single nucleotide variant.
Coding change: c.2560G>C on transcript NM_001365951.3 (MANE Select); coding-DNA position 2560, G replaced by C.
Protein change: p.Glu854Gln; replaces glutamic acid 854 with glutamine.
Molecular consequence: missense variant.
Genome position (GRCh38, 1-based): chr1:10,324,780, G>C. VCF-style: chr1-10324780-G-C. GRCh37 (hg19) VCF-style: chr1-10384838-G-C.
Other names: c.2560G>C, p.Glu854Gln (NM_001365952.1); c.2422G>C, p.Glu808Gln (NM_015074.3); short protein forms E854Q, E808Q.
Identifiers: ClinVar variation 2625720 (VCV002625720.2), dbSNP rs2521629342, ClinGen allele CA338335456.

ClinVar aggregate classification (germline): Uncertain significance (1 of 4 stars; one submission).

Submission:

Ambry Genetics
Classification: Uncertain significance. Last evaluated: 2023-07-27. Review status: criteria provided, single submitter. Criteria: Ambry Variant Classification Scheme 2023. Collection method: clinical testing. Allele origin: germline.
Comment: The p.E808Q variant (also known as c.2422G>C), located in coding exon 23 of the KIF1B gene, results from a G to C substitution at nucleotide position 2422. The glutamic acid at codon 808 is replaced by glutamine, an amino acid with highly similar properties. This amino acid position is conserved. In addition, the in silico prediction for this alteration is inconclusive. Since supporting evidence is limited at this time, the clinical significance of this alteration remains unclear.